The following is an entry in ClinVar:

ClinVar aggregate classification (germline): Likely benign. Review status: criteria provided, multiple submitters, no conflicts (2 of 4 stars). 2 submissions from 2 submitters: Likely benign (2). Last evaluated 2025-12-01.

Allele frequency attached by ClinVar (database versions not stated): gnomAD 0.00002 and 0.00004; gnomAD exomes 0.00003 and 0.00006; ExAC 0.00007; TOPMed 0.00008.
gnomAD v4.1: 55 of 1,613,456 alleles (0.0034%); highest among the groups gnomAD compares: South Asian, 0.029%; no homozygotes.

Submissions (2):

CeGaT Center for Human Genetics Tuebingen
Classification: Likely benign. Last evaluated: 2025-12-01. Review status: criteria provided, single submitter. Criteria: CeGaT Center For Human Genetics Tuebingen Variant Classification Criteria Version 2. Collection method: clinical testing. Allele origin: germline. Affected: yes. Observed: 1 variant allele.
Comment: MTOR: BP4, BP7

Labcorp Genetics (formerly Invitae), Labcorp
Classification: Likely benign. Last evaluated: 2025-04-11. Review status: criteria provided, single submitter. Criteria: Invitae Variant Classification Sherloc (09022015). Collection method: clinical testing. Allele origin: germline.

NM_004958.4(MTOR):c.5502G>A (p.Thr1834=)

Gene: MTOR (mechanistic target of rapamycin kinase; minus strand). Cytogenetic location: 1p36.22.
Variant type: single nucleotide variant.
Coding change: c.5502G>A on transcript NM_004958.4 (MANE Select); coding-DNA position 5502, G replaced by A.
Protein change: p.Thr1834=; no amino-acid change (threonine 1834 retained).
Molecular consequence: synonymous variant.
Genome position (GRCh38, 1-based): chr1:11,130,640, C>T on the plus strand (G>A on the coding strand, the complement: MTOR is on the minus strand). VCF-style: chr1-11130640-C-T. GRCh37 (hg19) VCF-style: chr1-11190697-C-T.
Identifiers: ClinVar variation 849831 (VCV000849831.12), dbSNP rs752875860, ClinGen allele CA589331.
Genomic context (GRCh38, chr1:11,130,640, plus strand): 5'-CTCGGCCTCGCTCTCACTGTTGCTGCCCTCGGTGCTGGCAGTGGTGGTGGCAGTGGCGGC[C>T]GTGGTGGCGGCAGTGGTGGCGTTGGTGATGTTGGCCCCGCTGGCATGACGCAGTTTCTTC-3'
Protein context (NP_004949.1, residues 1824-1844): NITNATTAAT[Thr1834=]AATATTTAST